The following is an entry in ClinVar:

ClinVar aggregate classification (germline): Uncertain significance (1 of 4 stars; one submission).

Conditions:
RYR1-related disorder. Also called: RYR1-related condition; RYR1-related disorders. Identifiers: MedGen CN239331.

gnomAD v4.1: 1 of 1,614,164 alleles (0.000062%); no homozygotes.

Submission:

Labcorp Genetics (formerly Invitae), Labcorp
Classification: Uncertain significance for RYR1-related disorder. Last evaluated: 2025-09-29. Review status: criteria provided, single submitter. Criteria: Invitae Variant Classification Sherloc (09022015). Collection method: clinical testing. Allele origin: germline.
Comment: This sequence change replaces leucine, which is neutral and non-polar, with proline, which is neutral and non-polar, at codon 3110 of the RYR1 protein (p.Leu3110Pro). This variant is not present in population databases (gnomAD no frequency). This variant has not been reported in the literature in individuals affected with RYR1-related conditions. Invitae Evidence Modeling of protein sequence and biophysical properties (such as structural, functional, and spatial information, amino acid conservation, physicochemical variation, residue mobility, and thermodynamic stability) has been performed for this missense variant. However, the output from this modeling did not meet the statistical confidence thresholds required to predict the impact of this variant on RYR1 protein function. In summary, the available evidence is currently insufficient to determine the role of this variant in disease. Therefore, it has been classified as a Variant of Uncertain Significance.

NM_000540.3(RYR1):c.9329T>C (p.Leu3110Pro)

Gene: RYR1 (ryanodine receptor 1; plus strand). Cytogenetic location: 19q13.2.
Variant type: single nucleotide variant.
Coding change: c.9329T>C on transcript NM_000540.3 (MANE Select); coding-DNA position 9329, T replaced by C.
Protein change: p.Leu3110Pro; replaces leucine 3110 with proline.
Molecular consequence: missense variant.
Genome position (GRCh38, 1-based): chr19:38,512,340, T>C. VCF-style: chr19-38512340-T-C. GRCh37 (hg19) VCF-style: chr19-39002980-T-C.
Other names: c.9329T>C, p.Leu3110Pro (NM_001042723.2); short protein forms L3110P.
Identifiers: ClinVar variation 4751159 (VCV004751159.1).